The following is an entry in ClinVar:

ClinVar aggregate classification (germline): Uncertain significance. Review status: criteria provided, multiple submitters, no conflicts (2 of 4 stars). 2 submissions from 2 submitters: Uncertain significance (2). Last evaluated 2024-07-29.

Conditions:
Hereditary factor VIII deficiency disease (HEMA). Also called: AUTOSOMAL HEMOPHILIA A; Hemophilia A; HEMOPHILIA, CLASSIC; Hemophilia A, congenital; HEM A; Factor 8 deficiency, congenital. Identifiers: Orphanet 98878, MedGen C0019069, MONDO:0010602, OMIM 306700.

Allele frequency attached by ClinVar (database versions not stated): TOPMed below 0.00001; gnomAD 0.00001.
gnomAD v4.1: 3 of 1,209,508 alleles (0.00025%); highest among the groups gnomAD compares: Non-Finnish European, 0.00022%; no homozygotes.

Submissions (2):

Women's Health and Genetics/Laboratory Corporation of America, LabCorp
Classification: Uncertain significance. Last evaluated: 2024-07-29. Review status: criteria provided, single submitter. Criteria: LabCorp Variant Classification Summary - May 2015. Collection method: clinical testing. Allele origin: germline.
Comment: Variant summary: F8 c.1231G>A (p.Asp411Asn) results in a conservative amino acid change in the encoded protein sequence. Three of five in-silico tools predict a damaging effect of the variant on protein function. The variant was absent in 182924 control chromosomes. The available data on variant occurrences in the general population are insufficient to allow any conclusion about variant significance. c.1231G>A has been reported in the literature in at least one individual affected with Factor VIII Deficiency (Hemophilia A) (Johnsen_2022). These report(s) do not provide unequivocal conclusions about association of the variant with Factor VIII Deficiency (Hemophilia A). To our knowledge, no experimental evidence demonstrating an impact on protein function has been reported. The following publication has been ascertained in the context of this evaluation (PMID: 35770352). ClinVar contains an entry for this variant (Variation ID: 811101). Based on the evidence outlined above, the variant was classified as uncertain significance.

ARUP Laboratories, Molecular Genetics and Genomics, ARUP Laboratories
Classification: Uncertain significance for Hereditary factor VIII deficiency disease. Last evaluated: 2018-08-03. Review status: criteria provided, single submitter. Criteria: ARUP Molecular Germline Variant Investigation Process. Collection method: clinical testing. Allele origin: germline.
Comment: The F8 c.1231G>A; p.Asp411Asn variant, to our knowledge, is not described in the medical literature or in gene-specific databases. It is also absent from general population databases (1000 Genomes Project, Exome Variant Server, and Genome Aggregation Database), indicating it is not a common polymorphism. The aspartic acid at codon 411 is moderately conserved, but computational algorithms (PolyPhen-2: possibly damaging, SIFT: tolerated) are inconclusive on the effect of this variant on protein structure/function. A different variant at this codon (c.1232A>G; p.Asp411Gly) has been described in individuals with mild hemophilia A and is considered pathogenic (see link to FVIII database). However, due to lack of clinical and functional data regarding the p.Asp411Asn variant, its clinical significance cannot be determined with certainty. REFERENCES FVIII database

Literature cited by the submitters: PubMed 35770352 (cited by Women's Health and Genetics/Laboratory Corporation of America, LabCorp).

NM_000132.4(F8):c.1231G>A (p.Asp411Asn)

Gene: F8 (coagulation factor VIII; minus strand). Cytogenetic location: Xq28.
Variant type: single nucleotide variant.
Coding change: c.1231G>A on transcript NM_000132.4 (MANE Select); coding-DNA position 1231, G replaced by A.
Protein change: p.Asp411Asn; replaces aspartic acid 411 with asparagine.
Molecular consequence: missense variant.
Genome position (GRCh38, 1-based): chrX:154,966,466, C>T on the plus strand (G>A on the coding strand, the complement: F8 is on the minus strand). VCF-style: chrX-154966466-C-T. GRCh37 (hg19) VCF-style: chrX-154194741-C-T.
Other names: short protein forms D411N.
Identifiers: ClinVar variation 811101 (VCV000811101.9), dbSNP rs1324147584, ClinGen allele CA414915957.